The following is an entry in ClinVar:

NM_000038.6(APC):c.730-1239A>G

Gene: APC (APC regulator of WNT signaling pathway; plus strand). Cytogenetic location: 5q22.2.
Variant type: single nucleotide variant.
Coding change: c.730-1239A>G on transcript NM_000038.6 (MANE Select); 1239 bases into the intron before coding-DNA position 730, A replaced by G.
Molecular consequence: intron variant.
Genome position (GRCh38, 1-based): chr5:112,800,040, A>G. VCF-style: chr5-112800040-A-G. GRCh37 (hg19) VCF-style: chr5-112135737-A-G.
Other names: c.730-1239A>G (NM_001354895.2, NM_001127510.3, NM_001354896.2 and 1 more transcripts); c.760-1239A>G (NM_001354897.2, NM_001354902.2); c.676-1239A>G (NM_001127511.3); c.655-1239A>G (NM_001354898.2, NM_001354904.2); c.-306-1239A>G (NM_001354906.2); c.646-1239A>G (NM_001354899.2); c.553-1239A>G (NM_001354900.2, NM_001354901.2, NM_001354905.2).
Identifiers: ClinVar variation 83036 (VCV000083036.2), dbSNP rs2251913, ClinGen allele CA013295.

ClinVar aggregate classification (germline): other (0 of 4 stars; one submission).

Conditions:
Familial colorectal cancer. Identifiers: MedGen CN280943, MONDO:0023113. Disease mechanism: loss of function.

Allele frequency attached by ClinVar (database versions not stated): gnomAD 0.39362 and 0.38008; TOPMed 0.40090; 1000 Genomes Project 30x 0.43364; 1000 Genomes Project 0.43890.
gnomAD v4.1: 60,008 of 151,948 alleles (39%); highest among the groups gnomAD compares: East Asian, 69%; 14,317 homozygotes.

Submission:

Systems Biology Platform Zhejiang California International NanoSystems Institute
Classification: other for Familial colorectal cancer. Review status: no assertion criteria provided. Collection method: not provided. Allele origin: unknown.
ClinVar note: Converted during submission from cancer to other.